The following is an entry in ClinVar:

NM_000284.4(PDHA1):c.1113C>T (p.Ser371=)

Gene: PDHA1 (pyruvate dehydrogenase E1 subunit alpha 1; plus strand). Cytogenetic location: Xp22.12.
Variant type: single nucleotide variant.
Coding change: c.1113C>T on transcript NM_000284.4 (MANE Select); coding-DNA position 1113, C replaced by T.
Protein change: p.Ser371=; no amino-acid change (serine 371 retained).
Molecular consequence: synonymous variant.
Genome position (GRCh38, 1-based): chrX:19,359,593, C>T. VCF-style: chrX-19359593-C-T. GRCh37 (hg19) VCF-style: chrX-19377711-C-T.
Other names: c.1227C>T, p.Ser409= (NM_001173454.2); c.1134C>T, p.Ser378= (NM_001173455.2); c.1020C>T, p.Ser340= (NM_001173456.2).
Identifiers: ClinVar variation 1165537 (VCV001165537.33), dbSNP rs773338429, ClinGen allele CA10363213.
Genomic context (GRCh38, chrX:19,359,593, plus strand): 5'-GTTTGCCACGGCCGATCCTGAGCCACCTTTGGAAGAGCTGGGCTACCACATCTACTCCAG[C>T]GACCCACCTTTTGAAGTTCGTGGTGCCAATCAGTGGATCAAGTTTAAGTCAGTCAGTTAA-3'
Protein context (NP_000275.1, residues 361-381): LEELGYHIYS[Ser371=]DPPFEVRGAN

ClinVar aggregate classification (germline): Benign/Likely benign. Review status: criteria provided, multiple submitters, no conflicts (2 of 4 stars). 3 submissions from 3 submitters: Benign (1); Likely benign (2). Last evaluated 2026-01-24.

Conditions:
Pyruvate dehydrogenase E1-alpha deficiency (PDHAD). Also called: Ataxia, intermittent, with pyruvate dehydrogenase, or decarboxylase, deficiency; ATAXIA, INTERMITTENT, WITH PYRUVATE DEHYDROGENASE DEFICIENCY; ATAXIA WITH LACTIC ACIDOSIS I; ATAXIA, INTERMITTENT, WITH ABNORMAL PYRUVATE METABOLISM. Identifiers: Orphanet 79243, MedGen C1839413, MONDO:0010717, OMIM 312170.

Allele frequency attached by ClinVar (database versions not stated): TOPMed 0.00004; ExAC 0.00007; gnomAD 0.00007; gnomAD exomes 0.00009; 1000 Genomes Project 30x 0.00042; 1000 Genomes Project 0.00053.

Submissions (3):

Labcorp Genetics (formerly Invitae), Labcorp
Classification: Benign for Pyruvate dehydrogenase E1-alpha deficiency. Last evaluated: 2026-01-24. Review status: criteria provided, single submitter. Criteria: Invitae Variant Classification Sherloc (09022015). Collection method: clinical testing. Allele origin: germline.

Blueprint Genetics
Classification: Likely benign. Last evaluated: 2024-11-17. Review status: criteria provided, single submitter. Criteria: ACMG Guidelines, 2015. Collection method: clinical testing. Allele origin: germline.

CeGaT Center for Human Genetics Tuebingen
Classification: Likely benign. Last evaluated: 2022-04-01. Review status: criteria provided, single submitter. Criteria: CeGaT Center For Human Genetics Tuebingen Variant Classification Criteria Version 2. Collection method: clinical testing. Allele origin: germline. Affected: yes. Observed: 1 variant allele.
Comment: PDHA1: BP4, BP7